The following is an entry in ClinVar:

ClinVar aggregate classification (germline): Uncertain significance (1 of 4 stars; one submission).

Submission:

Ambry Genetics
Classification: Uncertain significance. Last evaluated: 2021-11-07. Review status: criteria provided, single submitter. Criteria: Ambry Variant Classification Scheme 2023. Collection method: clinical testing. Allele origin: germline.
Comment: The p.L282H variant (also known as c.845T>A), located in coding exon 6 of the BUB3 gene, results from a T to A substitution at nucleotide position 845. The leucine at codon 282 is replaced by histidine, an amino acid with similar properties. This amino acid position is conserved. In addition, this alteration is predicted to be deleterious by in silico analysis. Since supporting evidence is limited at this time, the clinical significance of this alteration remains unclear.

NM_004725.4(BUB3):c.845T>A (p.Leu282His)

Gene: BUB3 (BUB3 mitotic checkpoint protein; plus strand). Cytogenetic location: 10q26.13.
Variant type: single nucleotide variant.
Coding change: c.845T>A on transcript NM_004725.4 (MANE Select); coding-DNA position 845, T replaced by A.
Protein change: p.Leu282His; replaces leucine 282 with histidine.
Molecular consequence: missense variant.
Genome position (GRCh38, 1-based): chr10:123,162,702, T>A. VCF-style: chr10-123162702-T-A. GRCh37 (hg19) VCF-style: chr10-124922218-T-A.
Other names: c.845T>A, p.Leu282His (NM_001007793.3); short protein forms L282H.
Identifiers: ClinVar variation 1763460 (VCV001763460.2), dbSNP rs775227343, ClinGen allele CA378627042.